The following is an entry in ClinVar:

ClinVar aggregate classification (germline): Benign/Likely benign. Review status: criteria provided, multiple submitters, no conflicts (2 of 4 stars). 5 submissions from 5 submitters: Benign (3); Likely benign (2). Last evaluated 2025-09-30.

Allele frequency attached by ClinVar (database versions not stated): 1000 Genomes Project 30x 0.00047; 1000 Genomes Project 0.00060; ExAC 0.00258; TOPMed 0.00266; gnomAD 0.00292 and 0.00300; ESP Exome Variant Server 0.00308.
gnomAD v4.1: 6,090 of 1,612,854 alleles (0.38%); highest among the groups gnomAD compares: Non-Finnish European, 0.42%; 11 homozygotes.

Submissions (5):

Mayo Clinic Laboratories, Mayo Clinic
Classification: Likely benign. Last evaluated: 2025-09-30. Review status: criteria provided, single submitter. Criteria: ACMG Guidelines, 2015. Collection method: clinical testing. Allele origin: germline. Observed: 6 variant alleles.
Comment: BP4, BP7

Blueprint Genetics
Classification: Likely benign. Last evaluated: 2024-11-26. Review status: criteria provided, single submitter. Criteria: ACMG Guidelines, 2015. Collection method: clinical testing. Allele origin: germline.

Women's Health and Genetics/Laboratory Corporation of America, LabCorp
Classification: Benign. Last evaluated: 2024-09-05. Review status: criteria provided, single submitter. Criteria: LabCorp Variant Classification Summary - May 2015. Collection method: clinical testing. Allele origin: germline.

Genetic Services Laboratory, University of Chicago
Classification: Benign. Last evaluated: 2020-09-28. Review status: criteria provided, single submitter. Criteria: ACMG Guidelines, 2015. Collection method: clinical testing. Allele origin: germline. Affected: no.

Breakthrough Genomics
Classification: Benign. Review status: criteria provided, single submitter. Criteria: ACMG Guidelines, 2015. Collection method: not provided. Allele origin: germline. Inheritance: Autosomal dominant inheritance. Affected: yes.

NM_001377304.1(GFI1B):c.239-9T>A

Gene: GFI1B (growth factor independent 1B transcriptional repressor; plus strand). Cytogenetic location: 9q34.13.
Variant type: single nucleotide variant.
Coding change: c.239-9T>A on transcript NM_001377304.1 (MANE Select); 9 bases into the intron before coding-DNA position 239, T replaced by A.
Molecular consequence: intron variant.
Genome position (GRCh38, 1-based): chr9:132,988,188, T>A. VCF-style: chr9-132988188-T-A. GRCh37 (hg19) VCF-style: chr9-135863575-T-A.
Other names: p.?; c.239-9T>A (NM_004188.7, NM_004188.8, NM_001371908.1 and 2 more transcripts).
Identifiers: ClinVar variation 1336041 (VCV001336041.8), dbSNP rs148081644, ClinGen allele CA5301886.